The following is an entry in ClinVar:

ClinVar aggregate classification (germline): Uncertain significance (1 of 4 stars; one submission).

Conditions:
Hereditary cancer-predisposing syndrome. Also called: Tumor predisposition; Hereditary Cancer Syndrome; Neoplastic Syndromes, Hereditary; Hereditary neoplastic syndrome. Identifiers: Orphanet 140162, MedGen C0027672, MeSH D009386, MONDO:0015356.

Submission:

Color Diagnostics, LLC DBA Color Health
Classification: Uncertain significance for Hereditary cancer-predisposing syndrome. Last evaluated: 2025-07-23. Review status: criteria provided, single submitter. Criteria: ACMG Guidelines, 2015. Collection method: clinical testing. Allele origin: germline.
Comment: This missense variant replaces serine with asparagine at codon 1658 of the APC protein. Computational prediction is inconclusive regarding the impact of this variant on protein structure and function. To our knowledge, functional studies have not been reported for this variant. This variant has not been reported in individuals affected with APC-related disorders in the literature. This variant has not been identified in the general population by the Genome Aggregation Database (gnomAD). The available evidence is insufficient to determine the role of this variant in disease conclusively. Therefore, this variant is classified as a Variant of Uncertain Significance.

NM_000038.6(APC):c.4973G>A (p.Ser1658Asn)

Gene: APC (APC regulator of Wnt signaling pathway; plus strand). Cytogenetic location: 5q22.2.
Variant type: single nucleotide variant.
Coding change: c.4973G>A on transcript NM_000038.6 (MANE Select); coding-DNA position 4973, G replaced by A.
Protein change: p.Ser1658Asn; replaces serine 1658 with asparagine.
Molecular consequence: missense variant. On other transcripts: non-coding transcript variant (2).
Genome position (GRCh38, 1-based): chr5:112,840,567, G>A. VCF-style: chr5-112840567-G-A. GRCh37 (hg19) VCF-style: chr5-112176264-G-A.
Other names: c.4973G>A, p.Ser1658Asn (NM_001127510.3, NM_001354895.2, NM_001407450.1); c.4919G>A, p.Ser1640Asn (NM_001127511.3); c.5027G>A, p.Ser1676Asn (NM_001354896.2, NM_001407447.1, NM_001407448.1 and 1 more transcripts); c.5003G>A, p.Ser1668Asn (NM_001354897.2); c.4898G>A, p.Ser1633Asn (NM_001354898.2); c.4889G>A, p.Ser1630Asn (NM_001354899.2); c.4850G>A, p.Ser1617Asn (NM_001354900.2); c.4796G>A, p.Ser1599Asn (NM_001354901.2, NM_001407453.1); and 11 more; short protein forms S1274N, S1375N, S1498N, S1529N, S1532N, S1557N, S1567N, S1575N.
Identifiers: ClinVar variation 4757683 (VCV004757683.1).
Genomic context (GRCh38, chr5:112,840,567, plus strand): 5'-TGCCACGGGTGTATTGTGTTGAAGGGACACCTATAAACTTTTCCACAGCTACATCTCTAA[G>A]TGATCTAACAATCGAATCCCCTCCAAATGAGTTAGCTGCTGGAGAAGGAGTTAGAGGAGG-3'
Protein context (NP_000029.2, residues 1648-1668): PINFSTATSL[Ser1658Asn]DLTIESPPNE